The following is an entry in ClinVar:

NM_177438.3(DICER1):c.1373A>G (p.Asn458Ser)

Gene: DICER1 (dicer 1, ribonuclease III; minus strand). Cytogenetic location: 14q32.13.
Variant type: single nucleotide variant.
Coding change: c.1373A>G on transcript NM_177438.3 (MANE Select); coding-DNA position 1373, A replaced by G.
Protein change: p.Asn458Ser; replaces asparagine 458 with serine.
Molecular consequence: missense variant. On other transcripts: 5 prime UTR variant (1), non-coding transcript variant (6).
Genome position (GRCh38, 1-based): chr14:95,124,199, T>C on the plus strand (A>G on the coding strand, the complement: DICER1 is on the minus strand). VCF-style: chr14-95124199-T-C. GRCh37 (hg19) VCF-style: chr14-95590536-T-C.
Other names: c.1373A>G, p.Asn458Ser (NM_001195573.1, NM_001271282.3, NM_001291628.2 and 15 more transcripts); c.1091A>G, p.Asn364Ser (NM_001395686.1); c.968A>G, p.Asn323Ser (NM_001395687.1, NM_001395688.1, NM_001395689.1 and 3 more transcripts); c.806A>G, p.Asn269Ser (NM_001395691.1); c.-196A>G (NM_001395697.1); short protein forms N364S, N323S, N458S, N269S.
Identifiers: ClinVar variation 2093668 (VCV002093668.2), dbSNP rs2543170438, ClinGen allele CA390886113.

ClinVar aggregate classification (germline): Uncertain significance (1 of 4 stars; one submission).

Conditions:
DICER1-related tumor predisposition. Also called: DICER1-related pleuropulmonary blastoma cancer predisposition syndrome; DICER1 syndrome. Identifiers: Orphanet 284343, MedGen C3839822, MONDO:0100216.

Submission:

Labcorp Genetics (formerly Invitae), Labcorp
Classification: Uncertain significance for DICER1-related tumor predisposition. Last evaluated: 2022-08-31. Review status: criteria provided, single submitter. Criteria: Invitae Variant Classification Sherloc (09022015). Collection method: clinical testing. Allele origin: germline.
Comment: This variant is not present in population databases (gnomAD no frequency). In summary, the available evidence is currently insufficient to determine the role of this variant in disease. Therefore, it has been classified as a Variant of Uncertain Significance. Algorithms developed to predict the effect of missense changes on protein structure and function are either unavailable or do not agree on the potential impact of this missense change (SIFT: "Tolerated"; PolyPhen-2: "Possibly Damaging"; Align-GVGD: "Class C0"). This variant has not been reported in the literature in individuals affected with DICER1-related conditions. This sequence change replaces asparagine, which is neutral and polar, with serine, which is neutral and polar, at codon 458 of the DICER1 protein (p.Asn458Ser).